The following is an entry in ClinVar:

NM_006922.4(SCN3A):c.4764C>G (p.Gly1588=)

Gene: SCN3A (sodium voltage-gated channel alpha subunit 3; minus strand). Cytogenetic location: 2q24.3.
Variant type: single nucleotide variant.
Coding change: c.4764C>G on transcript NM_006922.4 (MANE Select); coding-DNA position 4764, C replaced by G.
Protein change: p.Gly1588=; no amino-acid change (glycine 1588 retained).
Molecular consequence: synonymous variant.
Genome position (GRCh38, 1-based): chr2:165,092,297, G>C on the plus strand (C>G on the coding strand, the complement: SCN3A is on the minus strand). VCF-style: chr2-165092297-G-C. GRCh37 (hg19) VCF-style: chr2-165948807-G-C.
Other names: c.4617C>G, p.Gly1539= (NM_001081676.2, NM_001081677.2).
Identifiers: ClinVar variation 697450 (VCV000697450.10), dbSNP rs564019672, ClinGen allele CA1938510.

ClinVar aggregate classification (germline): Benign/Likely benign. Review status: criteria provided, multiple submitters, no conflicts (2 of 4 stars). 2 submissions from 2 submitters: Benign (1); Likely benign (1). Last evaluated 2025-08-06.

Conditions:
SCN3A-related disorder. Also called: SCN3A-related condition.

Allele frequency attached by ClinVar (database versions not stated): gnomAD below 0.00001 and 0.00003; gnomAD exomes 0.00012; ExAC 0.00017; 1000 Genomes Project 0.00060; 1000 Genomes Project 30x 0.00062.
gnomAD v4.1: 80 of 1,613,946 alleles (0.005%); highest among the groups gnomAD compares: South Asian, 0.076%; no homozygotes.

Submissions (2):

Labcorp Genetics (formerly Invitae), Labcorp
Classification: Benign. Last evaluated: 2025-08-06. Review status: criteria provided, single submitter. Criteria: Invitae Variant Classification Sherloc (09022015). Collection method: clinical testing. Allele origin: germline.

PreventionGenetics, part of Exact Sciences
Classification: Likely benign for SCN3A-related condition. Last evaluated: 2025-01-25. Review status: criteria provided, single submitter. Criteria: ACMG Guidelines, 2015. Collection method: clinical testing. Allele origin: germline.
Comment: This variant is classified as likely benign based on ACMG/AMP sequence variant interpretation guidelines (Richards et al. 2015 PMID: 25741868, with internal and published modifications).